The following is an entry in ClinVar:

NM_001369.3(DNAH5):c.5005del (p.Ala1669fs)

Gene: DNAH5 (dynein axonemal heavy chain 5; minus strand). Cytogenetic location: 5p15.2.
Variant type: Deletion.
Coding change: c.5005del on transcript NM_001369.3 (MANE Select); coding-DNA position 5005, one base deleted (G; older notation c.5005delG).
Protein change: p.Ala1669fs; shifts the reading frame from alanine 1669.
Molecular consequence: frameshift variant.
Genome position (GRCh38, 1-based): chr5:13,850,761, C deleted on the plus strand (G on the coding strand, the reverse complement: DNAH5 is on the minus strand); the first of 3 consecutive C bases (chr5:13,850,761-13,850,763); deleting any one gives the same sequence. VCF-style (leftmost placement, unchanged base first): chr5-13850760-GC-G. GRCh37 (hg19) VCF-style: chr5-13850869-GC-G.
Other names: short protein forms A1669fs.
Identifiers: ClinVar variation 3640867 (VCV003640867.2).
Genomic context (GRCh38, chr5:13,850,760, plus strand): 5'-AACAGCTGCCCCAGGGTCTCATCTCCAACACAGCACTGGACTACACTGGGCACTTCATGT[GC>G]CCGAGTCATGATCTTCACCCAAGATTTATCTATGTTAGAAAACCGCTTGGCTTCCTATGA-3'

ClinVar aggregate classification (germline): Pathogenic (1 of 4 stars; one submission).

Conditions:
Primary ciliary dyskinesia. Also called: Ciliary dyskinesia. Identifiers: Orphanet 244, MedGen C0008780, MONDO:0016575, HP:0012265.

Submission:

Labcorp Genetics (formerly Invitae), Labcorp
Classification: Pathogenic for Primary ciliary dyskinesia. Last evaluated: 2024-02-14. Review status: criteria provided, single submitter. Criteria: Invitae Variant Classification Sherloc (09022015). Collection method: clinical testing. Allele origin: germline.
Comment: This sequence change creates a premature translational stop signal (p.Ala1669Hisfs*7) in the DNAH5 gene. It is expected to result in an absent or disrupted protein product. Loss-of-function variants in DNAH5 are known to be pathogenic (PMID: 11788826, 16627867). This variant is not present in population databases (gnomAD no frequency). This variant has not been reported in the literature in individuals affected with DNAH5-related conditions. For these reasons, this variant has been classified as Pathogenic.

Literature cited by the submitters: PubMed 11788826; PubMed 16627867.